The following is an entry in ClinVar:

NM_172107.4(KCNQ2):c.2312C>T (p.Thr771Ile)

Gene: KCNQ2 (potassium voltage-gated channel subfamily Q member 2; minus strand). Cytogenetic location: 20q13.33.
Variant type: single nucleotide variant.
Coding change: c.2312C>T on transcript NM_172107.4 (MANE Select); coding-DNA position 2312, C replaced by T.
Protein change: p.Thr771Ile; replaces threonine 771 with isoleucine.
Molecular consequence: missense variant.
Genome position (GRCh38, 1-based): chr20:63,406,951, G>A on the plus strand (C>T on the coding strand, the complement: KCNQ2 is on the minus strand). VCF-style: chr20-63406951-G-A. GRCh37 (hg19) VCF-style: chr20-62038304-G-A.
Other names: c.2228C>T, p.Thr743Ile (NM_004518.6); c.2258C>T, p.Thr753Ile (NM_172106.3); c.2219C>T, p.Thr740Ile (NM_172108.5); short protein forms T771I, T740I, T743I, T753I.
Identifiers: ClinVar variation 461417 (VCV000461417.16), dbSNP rs759258191, ClinGen allele CA9958103.
Genomic context (GRCh38, chr20:63,406,951, plus strand): 5'-GGGATGGAGATGGACGTGTCGCTGTCCCGCAGGTTCCCCTCGGGGGGCCTGCAGCCCGGG[G>A]TGTCCTCCTGCCGCAGGAACTCCATGCTGGCGCGGTTGCCCCCGCCGTAGGCGGACAGCG-3'
Protein context (NP_742105.1, residues 761-781): ASMEFLRQED[Thr771Ile]PGCRPPEGNL

ClinVar aggregate classification (germline): Conflicting classifications of pathogenicity. Review status: criteria provided, conflicting classifications (1 of 4 stars). 3 submissions from 3 submitters: Uncertain significance (2); Likely benign (1). Last evaluated 2024-08-31.

Conditions:
Early-infantile DEE. Also called: Ohtahara syndrome; Early infantile epileptic encephalopathy; Early infantile epileptic encephalopathy with suppression bursts. Identifiers: Orphanet 1934, MedGen C0393706, MONDO:0800491.
Developmental and epileptic encephalopathy, 7 (DEE7). Also called: Early infantile epileptic encephalopathy 7; KCNQ2-Related Neonatal Epileptic Encephalopathy; KCNQ2-Related Neonatal-Onset Developmental and Epileptic Encephalopathy (NEO-DEE). Identifiers: Orphanet 439218, MedGen C3150986, MONDO:0013387, OMIM 613720.

Allele frequency attached by ClinVar (database versions not stated): gnomAD exomes 0.00001 and 0.00005; gnomAD 0.00002; ExAC 0.00004; TOPMed 0.00005.
gnomAD v4.1: 13 of 1,577,554 alleles (0.00082%); highest among the groups gnomAD compares: East Asian, 0.025%; no homozygotes.

Submissions (9):

Labcorp Genetics (formerly Invitae), Labcorp
Classification: Uncertain significance for Early-infantile DEE. Last evaluated: 2024-08-31. Review status: criteria provided, single submitter. Criteria: Invitae Variant Classification Sherloc (09022015). Collection method: clinical testing. Allele origin: germline.
Comment: This sequence change replaces threonine, which is neutral and polar, with isoleucine, which is neutral and non-polar, at codon 771 of the KCNQ2 protein (p.Thr771Ile). This variant is present in population databases (rs759258191, gnomAD 0.07%), and has an allele count higher than expected for a pathogenic variant. This missense change has been observed in individual(s) with pyridoxine-responsive epileptic encephalopathy (PMID: 35906921). ClinVar contains an entry for this variant (Variation ID: 461417). An algorithm developed to predict the effect of missense changes on protein structure and function (PolyPhen-2) suggests that this variant is likely to be tolerated. Experimental studies have shown that this missense change affects KCNQ2 function (PMID: 35104249). In summary, the available evidence is currently insufficient to determine the role of this variant in disease. Therefore, it has been classified as a Variant of Uncertain Significance.

GeneDx
Classification: Likely benign. Last evaluated: 2020-09-14. Review status: criteria provided, single submitter. Criteria: GeneDx Variant Classification Process June 2021. Collection method: clinical testing. Allele origin: germline. Affected: yes.
Comment: In silico analysis supports that this missense variant does not alter protein structure/function; Has not been previously published as pathogenic or benign to our knowledge

Pediatrics, West China Second University Hospital, Sichuan University
Classification: Uncertain significance for Developmental and epileptic encephalopathy, 7. Last evaluated: 2019-12-31. Review status: criteria provided, single submitter. Criteria: ACMG Guidelines, 2015. Collection method: clinical testing. Allele origin: germline. Affected: yes.

Channelopathy-Associated Epilepsy Research Center
No classification provided (evidence only). Condition: Complex neurodevelopmental disorder. Review status: no classification provided. Collection method: literature only. Allele origin: not applicable. Functional consequence: Severe decrease in peak current, Moderate slowing of activation, Normal voltage dependence of activation. Not counted in ClinVar's aggregate classification.
ClinVar note: "not provided" was previously submitted as the classification for the variant. However, the classification appeared to be based only on an observation of functional data so it was converted to no classification on 2025-07-30.

Channelopathy-Associated Epilepsy Research Center
No classification provided (evidence only). Review status: no classification provided. Collection method: in vitro. Allele origin: not applicable. Functional consequence: Normal rate of activation. Not counted in ClinVar's aggregate classification.

Channelopathy-Associated Epilepsy Research Center
No classification provided (evidence only). Review status: no classification provided. Collection method: in vitro. Allele origin: not applicable. Functional consequence: Normal peak current. Not counted in ClinVar's aggregate classification.

Channelopathy-Associated Epilepsy Research Center
No classification provided (evidence only). Review status: no classification provided. Collection method: in vitro. Allele origin: not applicable. Functional consequence: Normal peak current. Not counted in ClinVar's aggregate classification.

Channelopathy-Associated Epilepsy Research Center
No classification provided (evidence only). Review status: no classification provided. Collection method: in vitro. Allele origin: not applicable. Functional consequence: Normal voltage dependence of activation. Not counted in ClinVar's aggregate classification.

Channelopathy-Associated Epilepsy Research Center
No classification provided (evidence only). Review status: no classification provided. Collection method: in vitro. Allele origin: not applicable. Functional consequence: Normal slope of activation. Not counted in ClinVar's aggregate classification.

Literature cited by the submitters: PubMed 35906921 (cited by Labcorp Genetics (formerly Invitae), Labcorp); PubMed 35104249 (cited by Labcorp Genetics (formerly Invitae), Labcorp and Channelopathy-Associated Epilepsy Research Center).